The following is an entry in ClinVar:

ClinVar aggregate classification (germline): Uncertain significance (1 of 4 stars; one submission).

gnomAD v4.1: 1 of 1,612,770 alleles (0.000062%); highest among the groups gnomAD compares: South Asian, 0.0011%; no homozygotes.

Submission:

Labcorp Genetics (formerly Invitae), Labcorp
Classification: Uncertain significance. Last evaluated: 2025-05-01. Review status: criteria provided, single submitter. Criteria: Invitae Variant Classification Sherloc (09022015). Collection method: clinical testing. Allele origin: germline.
Comment: This sequence change replaces glutamine, which is neutral and polar, with glutamic acid, which is acidic and polar, at codon 198 of the ALPK1 protein (p.Gln198Glu). This variant is not present in population databases (gnomAD no frequency). This variant has not been reported in the literature in individuals affected with ALPK1-related conditions. Invitae Evidence Modeling of protein sequence and biophysical properties (such as structural, functional, and spatial information, amino acid conservation, physicochemical variation, residue mobility, and thermodynamic stability) indicates that this missense variant is expected to disrupt ALPK1 protein function with a positive predictive value of 80%. In summary, the available evidence is currently insufficient to determine the role of this variant in disease. Therefore, it has been classified as a Variant of Uncertain Significance.

NM_025144.4(ALPK1):c.592C>G (p.Gln198Glu)

Gene: ALPK1 (alpha kinase 1; plus strand). Cytogenetic location: 4q25.
Variant type: single nucleotide variant.
Coding change: c.592C>G on transcript NM_025144.4 (MANE Select); coding-DNA position 592, C replaced by G.
Protein change: p.Gln198Glu; replaces glutamine 198 with glutamic acid.
Molecular consequence: missense variant.
Genome position (GRCh38, 1-based): chr4:112,425,721, C>G. VCF-style: chr4-112425721-C-G. GRCh37 (hg19) VCF-style: chr4-113346877-C-G.
Other names: c.592C>G, p.Gln198Glu (NM_001102406.2); c.358C>G, p.Gln120Glu (NM_001253884.2); short protein forms Q198E, Q120E.
Identifiers: ClinVar variation 4741034 (VCV004741034.1).
Genomic context (GRCh38, chr4:112,425,721, plus strand): 5'-TTAGGTACCTGGCTGTACAGAAATGAAAGTGACAAGGTCCTGGTGCAGTCGGTCTGTATA[C>G]AGATCAGAGGGCAGATTCTGCAAAAGCTGGGTACAATCATGTAAAACTTGCATTTCTCAA-3'
Protein context (NP_079420.3, residues 188-208): DKVLVQSVCI[Gln198Glu]IRGQILQKLG